The following is an entry in ClinVar:

ClinVar aggregate classification (germline): Uncertain significance (1 of 4 stars; one submission).

Conditions:
RASopathy. Also called: Noonan spectrum disorder; rasopathies. Identifiers: Orphanet 536391, MedGen C5555857, MONDO:0021060.

Allele frequency attached by ClinVar (database versions not stated): gnomAD exomes below 0.00001.
gnomAD v4.1: 1 of 1,614,184 alleles (0.000062%); highest among the groups gnomAD compares: Admixed American, 0.0017%; no homozygotes.

Submission:

Labcorp Genetics (formerly Invitae), Labcorp
Classification: Uncertain significance for RASopathy. Last evaluated: 2022-09-01. Review status: criteria provided, single submitter. Criteria: Invitae Variant Classification Sherloc (09022015). Collection method: clinical testing. Allele origin: germline.
Comment: ClinVar contains an entry for this variant (Variation ID: 1522549). Advanced modeling of protein sequence and biophysical properties (such as structural, functional, and spatial information, amino acid conservation, physicochemical variation, residue mobility, and thermodynamic stability) performed at Invitae indicates that this missense variant is not expected to disrupt CBL protein function. In summary, the available evidence is currently insufficient to determine the role of this variant in disease. Therefore, it has been classified as a Variant of Uncertain Significance. This variant has not been reported in the literature in individuals affected with CBL-related conditions. This sequence change replaces glutamic acid, which is acidic and polar, with valine, which is neutral and non-polar, at codon 860 of the CBL protein (p.Glu860Val). This variant is not present in population databases (gnomAD no frequency).

NM_005188.4(CBL):c.2579A>T (p.Glu860Val)

Gene: CBL (Cbl proto-oncogene; plus strand). Cytogenetic location: 11q23.3.
Variant type: single nucleotide variant.
Coding change: c.2579A>T on transcript NM_005188.4 (MANE Select); coding-DNA position 2579, A replaced by T.
Protein change: p.Glu860Val; replaces glutamic acid 860 with valine.
Molecular consequence: missense variant.
Genome position (GRCh38, 1-based): chr11:119,299,639, A>T. VCF-style: chr11-119299639-A-T. GRCh37 (hg19) VCF-style: chr11-119170349-A-T.
Other names: short protein forms E860V.
Identifiers: ClinVar variation 1522549 (VCV001522549.6), dbSNP rs1950087188, ClinGen allele CA382932836.